The following is an entry in ClinVar:

ClinVar aggregate classification (germline): Conflicting classifications of pathogenicity. Review status: criteria provided, conflicting classifications (1 of 4 stars). 3 submissions from 3 submitters: Uncertain significance (2); Likely benign (1). Last evaluated 2026-06-22.

Conditions:
Retinoblastoma (RB1). Also called: RETINOBLASTOMA, SOMATIC. Identifiers: Orphanet 790, MedGen C0035335, MeSH D012175, MONDO:0008380, OMIM 180200, HP:0009919. Disease mechanism: loss of function. Inheritance: Both sporadic and heritable forms are tested..
Hereditary cancer-predisposing syndrome. Also called: Neoplastic Syndromes, Hereditary; Hereditary neoplastic syndrome; Hereditary Cancer Syndrome; Tumor predisposition. Identifiers: Orphanet 140162, MedGen C0027672, MeSH D009386, MONDO:0015356.

Allele frequency attached by ClinVar (database versions not stated): TOPMed 0.00001.

Submissions (3):

Ambry Genetics
Classification: Likely benign for Hereditary cancer-predisposing syndrome. Last evaluated: 2026-06-22. Review status: criteria provided, single submitter. Criteria: Ambry Variant Classification Scheme 2023. Collection method: clinical testing. Allele origin: germline.

All of Us Research Program, National Institutes of Health
Classification: Uncertain significance for Retinoblastoma. Last evaluated: 2024-05-14. Review status: criteria provided, single submitter. Criteria: ACMG Guidelines, 2015. Collection method: clinical testing. Allele origin: germline. Inheritance: Autosomal dominant inheritance. Observed: 1 variant allele, 1 heterozygote.
Comment: This missense variant replaces serine with glycine at codon 919 of the RB1 protein. Computational prediction suggests that this variant may not impact protein structure and function. To our knowledge, functional studies have not been reported for this variant. This variant has not been reported in individuals affected with RB1-related disorders in the literature. This variant has not been identified in the general population by the Genome Aggregation Database (gnomAD). The available evidence is insufficient to determine the role of this variant in disease conclusively. Therefore, this variant is classified as a Variant of Uncertain Significance.

This study involves interpretation of variants in research participants for the purpose of population health screening. Participant phenotype was not available at the time of variant classification. Additional details can be found in publication PMID: 35346344, PMCID: PMC8962531

Labcorp Genetics (formerly Invitae), Labcorp
Classification: Uncertain significance for Retinoblastoma. Last evaluated: 2017-03-19. Review status: criteria provided, single submitter. Criteria: Invitae Variant Classification Sherloc (09022015). Collection method: clinical testing. Allele origin: germline.
Comment: In summary, this variant is a novel missense change that is not predicted to affect protein function. There is no indication that it causes disease, but the available evidence is currently insufficient to prove that conclusively. Therefore, it has been classified as a Variant of Uncertain Significance. Algorithms developed to predict the effect of missense changes on protein structure and function (SIFT, PolyPhen-2, Align-GVGD) all suggest that this variant is likely to be tolerated, but these predictions have not been confirmed by published functional studies. This variant is not present in population databases (ExAC no frequency) and has not been reported in the literature in individuals with a RB1-related disease. This sequence change replaces serine with glycine at codon 919 of the RB1 protein (p.Ser919Gly). The serine residue is moderately conserved and there is a small physicochemical difference between serine and glycine.

NM_000321.3(RB1):c.2755A>G (p.Ser919Gly)

Gene: RB1 (RB transcriptional corepressor 1; plus strand). Cytogenetic location: 13q14.2.
Variant type: single nucleotide variant.
Coding change: c.2755A>G on transcript NM_000321.3 (MANE Select); coding-DNA position 2755, A replaced by G.
Protein change: p.Ser919Gly; replaces serine 919 with glycine.
Molecular consequence: missense variant.
Genome position (GRCh38, 1-based): chr13:48,480,039, A>G. VCF-style: chr13-48480039-A-G. GRCh37 (hg19) VCF-style: chr13-49054175-A-G.
Other names: short protein forms S919G.
Identifiers: ClinVar variation 458161 (VCV000458161.13), dbSNP rs1555295597, ClinGen allele CA388158459.